The following is an entry in ClinVar:

NM_001376.5(DYNC1H1):c.8972C>T (p.Ala2991Val)

Genes: DYNC1H1 (dynein cytoplasmic 1 heavy chain 1; plus strand), LOC126862060 (BRD4-independent group 4 enhancer GRCh37_chr14:102493659-102494858; plus strand). Cytogenetic location: 14q32.31.
Variant type: single nucleotide variant.
Coding change: c.8972C>T on transcript NM_001376.5 (MANE Select); coding-DNA position 8972, C replaced by T.
Protein change: p.Ala2991Val; replaces alanine 2991 with valine.
Molecular consequence: missense variant.
Genome position (GRCh38, 1-based): chr14:102,027,468, C>T. VCF-style: chr14-102027468-C-T. GRCh37 (hg19) VCF-style: chr14-102493805-C-T.
Other names: short protein forms A2991V.
Identifiers: ClinVar variation 1706194 (VCV001706194.2), dbSNP rs2503804353, ClinGen allele CA391010784.

ClinVar aggregate classification (germline): Uncertain significance (1 of 4 stars; one submission).

Allele frequency attached by ClinVar (database versions not stated): gnomAD exomes below 0.00001.
gnomAD v4.1: 2 of 1,614,140 alleles (0.00012%); highest among the groups gnomAD compares: Non-Finnish European, 0.00017%; no homozygotes.

Submission:

GeneDx
Classification: Uncertain significance. Last evaluated: 2022-03-17. Review status: criteria provided, single submitter. Criteria: GeneDx Variant Classification Process June 2021. Collection method: clinical testing. Allele origin: germline. Affected: yes.
Comment: Not observed at significant frequency in large population cohorts (gnomAD); In silico analysis supports that this missense variant does not alter protein structure/function; Has not been previously published as pathogenic or benign to our knowledge; This variant is associated with the following publications: (PMID: 25512093, 25609763, 26100331)